The following is an entry in ClinVar:

ClinVar aggregate classification (germline): Uncertain significance (1 of 4 stars; one submission).

Conditions:
Ataxia-telangiectasia syndrome (AT). Also called: LOUIS-BAR SYNDROME; Cerebello-oculocutaneous telangiectasia; Immunodeficiency with ataxia telangiectasia; Ataxia-telangiectasia, complementation group E; Ataxia-telangiectasia, complementation group D; AT, COMPLEMENTATION GROUP C. Identifiers: Orphanet 100, MedGen C0004135, MONDO:0008840, OMIM 208900.

Submission:

St. Jude Molecular Pathology, St. Jude Children's Research Hospital
Classification: Uncertain significance for Ataxia-telangiectasia syndrome. Last evaluated: 2023-07-21. Review status: criteria provided, single submitter. Criteria: St. Jude Assertion Criteria 2020. Collection method: clinical testing. Allele origin: germline.
Comment: The ATM c.7559T>C (p.Met2520Thr) missense change is absent in gnomAD v2.1.1. The in silico tool REVEL predicts a deleterious effect on protein function, but to our knowledge this prediction has not been confirmed by functional studies. This variant was not reported in a database of women older than 70 years of age who have never had cancer (FLOSSIES database). To our knowledge, this variant has not been reported in individuals with ataxia telangiectasia or breast cancer. Please note that a different nucleotide substitution impacting the same position: c.7559T>G (p.Met2520Arg) has been reported in ClinVar as pathogenic or likely pathogenic based on in-silico and/or RNA-studies due to introducing dinucleotide AG and subsequent activation of cryptic acceptor splice site. However, the current substitution in this sample c.7559T>C (p.Met2520Thr) is not predicted to introduce dinucleotide AG/cryptic acceptor splice site. In summary, the evidence currently available is insufficient to determine the clinical significance of this variant. It has therefore been classified as of uncertain significance.

NM_000051.4(ATM):c.7559T>C (p.Met2520Thr)

Genes: ATM (ATM serine/threonine kinase; plus strand), C11orf65 (chromosome 11 open reading frame 65; minus strand). Cytogenetic location: 11q22.3.
Variant type: single nucleotide variant.
Coding change: c.7559T>C on transcript NM_000051.4 (MANE Select); coding-DNA position 7559, T replaced by C.
Protein change: p.Met2520Thr; replaces methionine 2520 with threonine.
Molecular consequence: missense variant. On other transcripts: non-coding transcript variant (1), intron variant (2).
Genome position (GRCh38, 1-based): chr11:108,331,487, T>C. VCF-style: chr11-108331487-T-C. GRCh37 (hg19) VCF-style: chr11-108202214-T-C.
Other names: c.7559T>C, p.Met2520Thr (NM_001351834.2); c.641-22416A>G (NM_001330368.2); c.*38+3733A>G (NM_001351110.2); short protein forms M2520T.
Identifiers: ClinVar variation 2577909 (VCV002577909.1), dbSNP rs587782692, ClinGen allele CA382560724.